The following is an entry in ClinVar:

NM_014639.4(SKIC3):c.1259C>T (p.Ala420Val)

Gene: SKIC3 (SKI3 subunit of superkiller complex; minus strand). Cytogenetic location: 5q15.
Variant type: single nucleotide variant.
Coding change: c.1259C>T on transcript NM_014639.4 (MANE Select); coding-DNA position 1259, C replaced by T.
Protein change: p.Ala420Val; replaces alanine 420 with valine.
Molecular consequence: missense variant.
Genome position (GRCh38, 1-based): chr5:95,525,464, G>A on the plus strand (C>T on the coding strand, the complement: SKIC3 is on the minus strand). VCF-style: chr5-95525464-G-A. GRCh37 (hg19) VCF-style: chr5-94861168-G-A.
Other names: short protein forms A420V.
Identifiers: ClinVar variation 2175809 (VCV002175809.2), dbSNP rs144842741, ClinGen allele CA3347371.
Genomic context (GRCh38, chr5:95,525,464, plus strand): 5'-TCTGCTTGTAGATAGTCCTTTTTGGTGAAATGAATCAAAGCCTCAAGGGCATGAACTTCA[G>A]CTAGGTCAGGGTAAGAAGAGAGAAGGTCTTCCATAATCTATAAAGTAGACACCTGTCAAT-3'
Protein context (NP_055454.1, residues 410-430): EDLLSSYPDL[Ala420Val]EVHALEALIH

ClinVar aggregate classification (germline): Uncertain significance. Review status: criteria provided, multiple submitters, no conflicts (2 of 4 stars). 2 submissions from 2 submitters: Uncertain significance (2). Last evaluated 2022-07-07.

Conditions:
Inborn genetic diseases. Identifiers: MedGen C0950123, MeSH D030342.

Allele frequency attached by ClinVar (database versions not stated): ExAC 0.00002; gnomAD 0.00003; gnomAD exomes 0.00003; TOPMed 0.00003; ESP Exome Variant Server 0.00015.
gnomAD v4.1: 48 of 1,613,884 alleles (0.003%); highest among the groups gnomAD compares: African/African-American, 0.0053%; no homozygotes.

Submissions (2):

Labcorp Genetics (formerly Invitae), Labcorp
Classification: Uncertain significance. Last evaluated: 2022-07-07. Review status: criteria provided, single submitter. Criteria: Invitae Variant Classification Sherloc (09022015). Collection method: clinical testing. Allele origin: germline.
Comment: This sequence change replaces alanine, which is neutral and non-polar, with valine, which is neutral and non-polar, at codon 420 of the TTC37 protein (p.Ala420Val). This variant is present in population databases (rs144842741, gnomAD 0.004%). This variant has not been reported in the literature in individuals affected with TTC37-related conditions. Algorithms developed to predict the effect of missense changes on protein structure and function (SIFT, PolyPhen-2, Align-GVGD) all suggest that this variant is likely to be tolerated. In summary, the available evidence is currently insufficient to determine the role of this variant in disease. Therefore, it has been classified as a Variant of Uncertain Significance.

Ambry Genetics
Classification: Uncertain significance for Inborn genetic diseases. Last evaluated: 2021-07-13. Review status: criteria provided, single submitter. Criteria: Ambry Variant Classification Scheme 2023. Collection method: clinical testing. Allele origin: germline.